The following is an entry in ClinVar:

ClinVar aggregate classification (germline): Likely benign (1 of 4 stars; one submission).

Allele frequency attached by ClinVar (database versions not stated): gnomAD 0.00004 and 0.00001; TOPMed 0.00001.

Submission:

GeneDx
Classification: Likely benign. Last evaluated: 2017-01-13. Review status: criteria provided, single submitter. Criteria: GeneDx Variant Classification (06012015). Collection method: clinical testing. Allele origin: germline. Affected: yes.
Comment: This variant is considered likely benign or benign based on one or more of the following criteria: it is a conservative change, it occurs at a poorly conserved position in the protein, it is predicted to be benign by multiple in silico algorithms, and/or has population frequency not consistent with disease.

NM_005359.6(SMAD4):c.-135G>A

Gene: SMAD4 (SMAD family member 4; plus strand). Cytogenetic location: 18q21.2.
Variant type: single nucleotide variant.
Coding change: c.-135G>A on transcript NM_005359.6 (MANE Select); 135 bases upstream of the start codon, G replaced by A.
Molecular consequence: 5 prime UTR variant.
Genome position (GRCh38, 1-based): chr18:51,030,616, G>A. VCF-style: chr18-51030616-G-A. GRCh37 (hg19) VCF-style: chr18-48556986-G-A.
Identifiers: ClinVar variation 392894 (VCV000392894.1), dbSNP rs1057524686, ClinGen allele CA16607980.
Genomic context (GRCh38, chr18:51,030,616, plus strand): 5'-CGGGCCCGGTGCGTCCGCGGACCAGCAGCGCGGGAGAGCGGACTCCCCTCGCCACCGCCC[G>A]AGCCCAGGTAACCGCGCCATGTCCCCTCCCCTTCCCCCGGCCGGGCCCGCGCACCCCGCC-3'